The following is an entry in ClinVar:

ClinVar aggregate classification (germline): Uncertain significance (1 of 4 stars; one submission).

gnomAD v4.1: 1 of 1,613,996 alleles (0.000062%); highest among the groups gnomAD compares: Admixed American, 0.0017%; no homozygotes.

Submission:

Labcorp Genetics (formerly Invitae), Labcorp
Classification: Uncertain significance. Last evaluated: 2020-10-08. Review status: criteria provided, single submitter. Criteria: Invitae Variant Classification Sherloc (09022015). Collection method: clinical testing. Allele origin: germline.
Comment: In summary, the available evidence is currently insufficient to determine the role of this variant in disease. Therefore, it has been classified as a Variant of Uncertain Significance. Algorithms developed to predict the effect of missense changes on protein structure and function are either unavailable or do not agree on the potential impact of this missense change (SIFT: "Deleterious"; PolyPhen-2: "Possibly Damaging"; Align-GVGD: "Class C15"). This variant has not been reported in the literature in individuals with FLVCR1-related conditions. ClinVar contains an entry for this variant (Variation ID: 851248). This variant is present in population databases (rs751334952, ExAC 0.009%). This sequence change replaces asparagine with histidine at codon 331 of the FLVCR1 protein (p.Asn331His). The asparagine residue is highly conserved and there is a small physicochemical difference between asparagine and histidine.

NM_014053.4(FLVCR1):c.991A>C (p.Asn331His)

Gene: FLVCR1 (FLVCR choline and heme transporter 1; plus strand). Cytogenetic location: 1q32.3.
Variant type: single nucleotide variant.
Coding change: c.991A>C on transcript NM_014053.4 (MANE Select); coding-DNA position 991, A replaced by C.
Protein change: p.Asn331His; replaces asparagine 331 with histidine.
Molecular consequence: missense variant.
Genome position (GRCh38, 1-based): chr1:212,872,785, A>C. VCF-style: chr1-212872785-A-C. GRCh37 (hg19) VCF-style: chr1-213046127-A-C.
Other names: short protein forms N331H.
Identifiers: ClinVar variation 851248 (VCV000851248.10), dbSNP rs751334952, ClinGen allele CA1386013.